The following is an entry in ClinVar:

NM_000535.7(PMS2):c.354-15G>T

Gene: PMS2 (PMS1 homolog 2, mismatch repair system component; minus strand). Cytogenetic location: 7p22.1.
Variant type: single nucleotide variant.
Coding change: c.354-15G>T on transcript NM_000535.7 (MANE Select); 15 bases into the intron before coding-DNA position 354, G replaced by T.
Molecular consequence: intron variant. On other transcripts: synonymous variant (1).
Genome position (GRCh38, 1-based): chr7:6,002,651, C>A on the plus strand (G>T on the coding strand, the complement: PMS2 is on the minus strand). VCF-style: chr7-6002651-C-A. GRCh37 (hg19) VCF-style: chr7-6042282-C-A.
Other names: c.30G>T, p.Leu10= (NM_001322015.2); c.36-15G>T (NM_001322008.2, NM_001322007.2); c.-52-15G>T (NM_001322010.2, NM_001322004.2, NM_001322013.2 and 3 more transcripts); c.-531-15G>T (NM_001322012.2, NM_001322011.2); c.354-15G>T (NM_001322006.2, NM_001322014.2).
Identifiers: ClinVar variation 924938 (VCV000924938.9), dbSNP rs1250216615, ClinGen allele CA913188250.

ClinVar aggregate classification (germline): Likely benign. Review status: criteria provided, multiple submitters, no conflicts (2 of 4 stars). 4 submissions from 4 submitters: Likely benign (4). Last evaluated 2025-10-23.

Conditions:
Hereditary cancer-predisposing syndrome. Also called: Neoplastic Syndromes, Hereditary; Tumor predisposition; Hereditary Cancer Syndrome; Hereditary neoplastic syndrome. Identifiers: Orphanet 140162, MedGen C0027672, MeSH D009386, MONDO:0015356.
Lynch syndrome 4 (LYNCH4). Also called: Colorectal cancer, hereditary nonpolyposis, type 4; Hereditary non-polyposis colorectal cancer, type 4. Identifiers: Orphanet 144, MedGen C1838333, MONDO:0013699, OMIM 614337. Disease mechanism: loss of function.
Hereditary nonpolyposis colorectal neoplasms. Identifiers: MedGen C0009405, MeSH D003123.
Lynch syndrome. Identifiers: Orphanet 144, MedGen C4552100, MONDO:0005835. Disease mechanism: loss of function.

Allele frequency attached by ClinVar (database versions not stated): TOPMed below 0.00001.

Submissions (4):

Labcorp Genetics (formerly Invitae), Labcorp
Classification: Likely benign for Hereditary nonpolyposis colorectal neoplasms. Last evaluated: 2025-10-23. Review status: criteria provided, single submitter. Criteria: Invitae Variant Classification Sherloc (09022015). Collection method: clinical testing. Allele origin: germline.

Myriad Genetics, Inc.
Classification: Likely benign for Lynch syndrome 4. Last evaluated: 2025-01-24. Review status: criteria provided, single submitter. Criteria: Myriad Autosomal Dominant, Autosomal Recessive and X-Linked Classification Criteria (2023). Collection method: clinical testing. Allele origin: unknown.
Comment: This variant is considered likely benign. This variant is intronic and is not expected to impact mRNA splicing.

All of Us Research Program, National Institutes of Health
Classification: Likely benign for Lynch syndrome. Last evaluated: 2023-12-18. Review status: criteria provided, single submitter. Criteria: ACMG Guidelines, 2015. Collection method: clinical testing. Allele origin: germline. Inheritance: Autosomal dominant inheritance. Observed: 1 variant allele, 1 heterozygote.
Comment: This study involves interpretation of variants in research participants for the purpose of population health screening. Participant phenotype was not available at the time of variant classification. Additional details can be found in publication PMID: 35346344, PMCID: PMC8962531

Color Diagnostics, LLC DBA Color Health
Classification: Likely benign for Hereditary cancer-predisposing syndrome. Last evaluated: 2019-05-23. Review status: criteria provided, single submitter. Criteria: ACMG Guidelines, 2015. Collection method: clinical testing. Allele origin: germline.